The following is an entry in ClinVar:

NM_001365999.1(SZT2):c.6236G>A (p.Arg2079Gln)

Gene: SZT2 (SZT2 subunit of KICSTOR complex; plus strand). Cytogenetic location: 1p34.2.
Variant type: single nucleotide variant.
Coding change: c.6236G>A on transcript NM_001365999.1 (MANE Select); coding-DNA position 6236, G replaced by A.
Protein change: p.Arg2079Gln; replaces arginine 2079 with glutamine.
Molecular consequence: missense variant.
Genome position (GRCh38, 1-based): chr1:43,437,454, G>A. VCF-style: chr1-43437454-G-A. GRCh37 (hg19) VCF-style: chr1-43903125-G-A.
Other names: c.6065G>A (NM_015284.3); c.6065G>A, p.Arg2022Gln (NM_015284.4); short protein forms R2022Q, R2079Q.
Identifiers: ClinVar variation 3383431 (VCV003383431.4).
Genomic context (GRCh38, chr1:43,437,454, plus strand): 5'-TTATTCCCCCAGCCATCCAGGCCCTGCGCTCTGTGCTCAATGCCTTCTCTGTGGTGAACC[G>A]GAAAAACATGTTTGTTTACCAGGAGCGAGCAACAAAGGCTGTGTACTATCTTCGGTATGT-3'
Protein context (NP_001352928.1, residues 2069-2089): SVLNAFSVVN[Arg2079Gln]KNMFVYQERA

ClinVar aggregate classification (germline): Uncertain significance. Review status: criteria provided, multiple submitters, no conflicts (2 of 4 stars). 3 submissions from 3 submitters: Uncertain significance (3). Last evaluated 2025-11-26.

Conditions:
Inborn genetic diseases. Identifiers: MedGen C0950123, MeSH D030342.

Submissions (3):

Ambry Genetics
Classification: Uncertain significance for Inborn genetic diseases. Last evaluated: 2025-11-26. Review status: criteria provided, single submitter. Criteria: Ambry Variant Classification Scheme 2023. Collection method: clinical testing. Allele origin: germline.

GeneDx
Classification: Uncertain significance. Last evaluated: 2024-11-09. Review status: criteria provided, single submitter. Criteria: GeneDx Variant Classification Process June 2021. Collection method: clinical testing. Allele origin: germline. Affected: yes.
Comment: Not observed at significant frequency in large population cohorts (gnomAD); In silico analysis supports that this missense variant has a deleterious effect on protein structure/function; Has not been previously published as pathogenic or benign to our knowledge

Centre of Medical Genetics, University Hospital Muenster
Classification: Uncertain significance. Last evaluated: 2024-09-06. Review status: criteria provided, single submitter. Criteria: ACMG Guidelines, 2015. Collection method: clinical testing. Allele origin: unknown. Affected: yes. Observed: 1 variant allele, 1 heterozygote.
Comment: ACMG categories: PM2,PP3